The following is an entry in ClinVar:

NM_001482.3(GATM):c.69+5G>A

Genes: GATM (glycine amidinotransferase; minus strand), LOC130056991 (ATAC-STARR-seq lymphoblastoid silent region 6406; plus strand). Cytogenetic location: 15q21.1.
Variant type: single nucleotide variant.
Coding change: c.69+5G>A on transcript NM_001482.3 (MANE Select); 5 bases into the intron after coding-DNA position 69, G replaced by A.
Molecular consequence: intron variant.
Genome position (GRCh38, 1-based): chr15:45,378,380, C>T on the plus strand (G>A on the coding strand, the complement: GATM is on the minus strand). VCF-style: chr15-45378380-C-T. GRCh37 (hg19) VCF-style: chr15-45670578-C-T.
Other names: c.-318-1561G>A (NM_001321015.2).
Identifiers: ClinVar variation 1993258 (VCV001993258.4), dbSNP rs2542009755, ClinGen allele CA2580089526.

ClinVar aggregate classification (germline): Uncertain significance (1 of 4 stars; one submission).

Conditions:
Arginine:glycine amidinotransferase deficiency (CCDS3). Also called: Creatine deficiency syndrome due to AGAT deficiency; GATM deficiency; Cerebral creatine deficiency syndrome 3; AGAT deficiency; L-Arginine:Glycine Amidinotransferase (AGAT) Deficiency; L-Arginine:Glycine Amidinotransferase Deficiency. Identifiers: Orphanet 35704, MedGen C2675179, MONDO:0012996, OMIM 612718.

Allele frequency attached by ClinVar (database versions not stated): gnomAD exomes below 0.00001.
gnomAD v4.1: 1 of 1,517,838 alleles (0.000066%); highest among the groups gnomAD compares: Non-Finnish European, 0.000088%; no homozygotes.

Submission:

Labcorp Genetics (formerly Invitae), Labcorp
Classification: Uncertain significance for Arginine:glycine amidinotransferase deficiency. Last evaluated: 2022-05-12. Review status: criteria provided, single submitter. Criteria: Invitae Variant Classification Sherloc (09022015). Collection method: clinical testing. Allele origin: germline.
Comment: This sequence change falls in intron 1 of the GATM gene. It does not directly change the encoded amino acid sequence of the GATM protein. It affects a nucleotide within the consensus splice site. This variant is not present in population databases (gnomAD no frequency). This variant has not been reported in the literature in individuals affected with GATM-related conditions. Variants that disrupt the consensus splice site are a relatively common cause of aberrant splicing (PMID: 17576681, 9536098). Algorithms developed to predict the effect of sequence changes on RNA splicing suggest that this variant may disrupt the consensus splice site. In summary, the available evidence is currently insufficient to determine the role of this variant in disease. Therefore, it has been classified as a Variant of Uncertain Significance.

Literature cited by the submitters: PubMed 17576681; PubMed 9536098.